The following is an entry in ClinVar:

NM_139276.3(STAT3):c.1311C>A (p.His437Gln)

Gene: STAT3 (signal transducer and activator of transcription 3; minus strand). Cytogenetic location: 17q21.2.
Variant type: single nucleotide variant.
Coding change: c.1311C>A on transcript NM_139276.3 (MANE Select); coding-DNA position 1311, C replaced by A.
Protein change: p.His437Gln; replaces histidine 437 with glutamine.
Molecular consequence: missense variant. On other transcripts: intron variant (1).
Genome position (GRCh38, 1-based): chr17:42,326,170, G>T on the plus strand (C>A on the coding strand, the complement: STAT3 is on the minus strand). VCF-style: chr17-42326170-G-T. GRCh37 (hg19) VCF-style: chr17-40478188-G-T.
Other names: c.1311C>A, p.His437Gln (NM_001369512.1, NM_001369513.1, NM_001369514.1 and 11 more transcripts); c.1233C>A, p.His411Gln (NM_001384985.1); c.1326C>A, p.His442Gln (NM_001384986.1, NM_001384990.1); c.1215C>A, p.His405Gln (NM_001384989.1); c.1251C>A, p.His417Gln (NM_001384992.1); c.1282-1109C>A (NM_001384984.1); short protein forms H437Q, H405Q, H411Q, H417Q, H442Q.
Identifiers: ClinVar variation 664121 (VCV000664121.1), dbSNP rs1598399795, ClinGen allele CA399587812.

ClinVar aggregate classification (germline): Pathogenic (1 of 4 stars; one submission).

Conditions:
STAT3 gain of function. Identifiers: MedGen C4288261.
Hyper-IgE recurrent infection syndrome 1, autosomal dominant. Also called: JOB SYNDROME; HYPER-IgE SYNDROME 1, AUTOSOMAL DOMINANT, WITH RECURRENT INFECTIONS; STAT3 Hyper IgE Syndrome; Hyper-IgE recurrent infection syndrome 1; Job's Syndrome. Identifiers: Orphanet 2314, MedGen C2936739, MONDO:0007818, OMIM 147060.

Submission:

Labcorp Genetics (formerly Invitae), Labcorp
Classification: Pathogenic for STAT3 gain of function; Hyper-IgE recurrent infection syndrome 1, autosomal dominant. Last evaluated: 2018-12-19. Review status: criteria provided, single submitter. Criteria: Invitae Variant Classification Sherloc (09022015). Collection method: clinical testing. Allele origin: germline.
Comment: This sequence change replaces histidine with glutamine at codon 437 of the STAT3 protein (p.His437Gln). The histidine residue is moderately conserved and there is a small physicochemical difference between histidine and glutamine. This variant is not present in population databases (ExAC no frequency). Algorithms developed to predict the effect of missense changes on protein structure and function are either unavailable or do not agree on the potential impact of this missense change (SIFT: "Tolerated"; PolyPhen-2: "Probably Damaging"; Align-GVGD: "Class C0"). This variant disrupts theÂ¬â€ p.His437Â¬â€ amino acid residue in STAT3. Other variant(s) that disrupt this residue have been observed in affected individuals (PMID: 18591410, 23830147, 17676033), suggesting that it is a clinically significant residue. As a result, variants that disrupt this residue are likely to be causative of disease. For these reasons, this variant has been classified as Pathogenic.

Literature cited by the submitters: PubMed 18591410; PubMed 23830147; PubMed 17676033.